The following is an entry in ClinVar:

NM_199420.4(POLQ):c.7580G>A (p.Cys2527Tyr)

Gene: POLQ (DNA polymerase theta; minus strand). Cytogenetic location: 3q13.33.
Variant type: single nucleotide variant.
Coding change: c.7580G>A on transcript NM_199420.4 (MANE Select); coding-DNA position 7580, G replaced by A.
Protein change: p.Cys2527Tyr; replaces cysteine 2527 with tyrosine.
Molecular consequence: missense variant.
Genome position (GRCh38, 1-based): chr3:121,432,997, C>T on the plus strand (G>A on the coding strand, the complement: POLQ is on the minus strand). VCF-style: chr3-121432997-C-T. GRCh37 (hg19) VCF-style: chr3-121151844-C-T.
Other names: short protein forms C2527Y.
Identifiers: ClinVar variation 1759621 (VCV001759621.2), dbSNP rs943784048, ClinGen allele CA81836858.

ClinVar aggregate classification (germline): Uncertain significance (1 of 4 stars; one submission).

Allele frequency attached by ClinVar (database versions not stated): gnomAD exomes below 0.00001; gnomAD 0.00001; TOPMed 0.00002.
gnomAD v4.1: 3 of 1,611,792 alleles (0.00019%); highest among the groups gnomAD compares: African/African-American, 0.004%; no homozygotes.

Submission:

Ambry Genetics
Classification: Uncertain significance. Last evaluated: 2024-02-26. Review status: criteria provided, single submitter. Criteria: Ambry Variant Classification Scheme 2023. Collection method: clinical testing. Allele origin: germline.
Comment: The p.C2527Y variant (also known as c.7580G>A), located in coding exon 29 of the POLQ gene, results from a G to A substitution at nucleotide position 7580. The cysteine at codon 2527 is replaced by tyrosine, an amino acid with highly dissimilar properties. This amino acid position is conserved. In addition, this alteration is predicted to be tolerated by in silico analysis. Since supporting evidence is limited at this time, the clinical significance of this alteration remains unclear.